The following is an entry in ClinVar:

NM_198407.2(GHSR):c.1070G>A (p.Arg357Gln)

Gene: GHSR (growth hormone secretagogue receptor; minus strand). Cytogenetic location: 3q26.31.
Variant type: single nucleotide variant.
Coding change: c.1070G>A on transcript NM_198407.2 (MANE Select); coding-DNA position 1070, G replaced by A.
Protein change: p.Arg357Gln; replaces arginine 357 with glutamine.
Molecular consequence: missense variant.
Genome position (GRCh38, 1-based): chr3:172,445,192, C>T on the plus strand (G>A on the coding strand, the complement: GHSR is on the minus strand). VCF-style: chr3-172445192-C-T. GRCh37 (hg19) VCF-style: chr3-172162982-C-T.
Other names: short protein forms R357Q.
Identifiers: ClinVar variation 902774 (VCV000902774.15), dbSNP rs202112906, ClinGen allele CA2706301.

ClinVar aggregate classification (germline): Conflicting classifications of pathogenicity. Review status: criteria provided, conflicting classifications (1 of 4 stars). 4 submissions from 4 submitters: Uncertain significance (2); Likely benign (2). Last evaluated 2025-10-13.

Conditions:
Short stature due to growth hormone secretagogue receptor deficiency (GHDP). Also called: Short stature due to GHSR deficiency. Identifiers: Orphanet 314811, MedGen C5887324, MONDO:0014403, OMIM 615925.

Allele frequency attached by ClinVar (database versions not stated): ESP Exome Variant Server 0.00008; gnomAD 0.00015 and 0.00017; 1000 Genomes Project 30x 0.00016; 1000 Genomes Project 0.00020; TOPMed 0.00023.
gnomAD v4.1: 343 of 1,614,066 alleles (0.021%); highest among the groups gnomAD compares: East Asian, 0.37%; no homozygotes.

Submissions (4):

Labcorp Genetics (formerly Invitae), Labcorp
Classification: Likely benign. Last evaluated: 2025-10-13. Review status: criteria provided, single submitter. Criteria: Invitae Variant Classification Sherloc (09022015). Collection method: clinical testing. Allele origin: germline.

Women's Health and Genetics/Laboratory Corporation of America, LabCorp
Classification: Likely benign. Last evaluated: 2024-10-17. Review status: criteria provided, single submitter. Criteria: LabCorp Variant Classification Summary - May 2015. Collection method: clinical testing. Allele origin: germline.
Comment: Variant summary: GHSR c.1070G>A (p.Arg357Gln) results in a conservative amino acid change in the encoded protein sequence. Four of five in-silico tools predict a benign effect of the variant on protein function. The variant allele was found at a frequency of 0.00029 in 251224 control chromosomes, predominantly at a frequency of 0.0018 within the East Asian subpopulation in the gnomAD database. However, the variant was reported in some East Asian subpopulations with an even higher allele frequency, e.g. in the Japanese, with an allele frequency of 0.0.0052 (i.e. 623 / 119876 alleles), including 4 homozygotes (in the jMorp database; PMID: 33179747), suggesting that this variant is likely a benign polymorphism. To our knowledge, no occurrence of c.1070G>A in individuals affected with Short Stature Due to Growth Hormone Secretagogue Receptor Deficiency and no experimental evidence demonstrating its impact on protein function have been reported. ClinVar contains an entry for this variant (Variation ID: 902774). Based on the evidence outlined above, the variant was classified as likely benign.

GeneDx
Classification: Uncertain significance. Last evaluated: 2021-04-14. Review status: criteria provided, single submitter. Criteria: GeneDx Variant Classification Process June 2021. Collection method: clinical testing. Allele origin: germline. Affected: yes.
Comment: In silico analysis supports that this missense variant does not alter protein structure/function; Has not been previously published as pathogenic or benign to our knowledge

Illumina Laboratory Services, Illumina
Classification: Uncertain significance for Short stature due to growth hormone secretagogue receptor deficiency. Last evaluated: 2018-01-12. Review status: criteria provided, single submitter. Criteria: ICSL Variant Classification Criteria 13 December 2019. Collection method: clinical testing. Allele origin: germline.